The following is an entry in ClinVar:

ClinVar aggregate classification (germline): Uncertain significance. Review status: criteria provided, multiple submitters, no conflicts (2 of 4 stars). 6 submissions from 6 submitters: Uncertain significance (5). 1 of the submissions does not count toward it. Last evaluated 2025-08-06.

Conditions:
Inborn genetic diseases. Identifiers: MedGen C0950123, MeSH D030342.
Charcot-Marie-Tooth disease type 4. Also called: Charcot-Marie-Tooth, Type 4; Charcot-Marie-Tooth disease, type IV. Identifiers: Orphanet 64749, MedGen C4082197, MONDO:0018995.
Charcot-Marie-Tooth disease type 4D. Also called: CHARCOT-MARIE-TOOTH DISEASE, DEMYELINATING, AUTOSOMAL RECESSIVE, TYPE 4D; NEUROPATHY, HEREDITARY MOTOR AND SENSORY, LOM TYPE; Charcot-Marie-Tooth Neuropathy Type 4D; CHARCOT-MARIE-TOOTH DISEASE, DEMYELINATING, TYPE 4D. Identifiers: Orphanet 99950, MedGen C1832334, MONDO:0011085, OMIM 601455.

Allele frequency attached by ClinVar (database versions not stated): ExAC 0.00002; gnomAD 0.00002 and 0.00003; gnomAD exomes 0.00002; TOPMed 0.00002.
gnomAD v4.1: 20 of 1,591,592 alleles (0.0013%); highest among the groups gnomAD compares: East Asian, 0.0023%; no homozygotes.

Submissions (6):

Ambry Genetics
Classification: Uncertain significance for Inborn genetic diseases. Last evaluated: 2025-08-06. Review status: criteria provided, single submitter. Criteria: Ambry Variant Classification Scheme 2023. Collection method: clinical testing. Allele origin: germline.

Mayo Clinic Laboratories, Mayo Clinic
Classification: Uncertain significance. Last evaluated: 2024-06-18. Review status: criteria provided, single submitter. Criteria: ACMG Guidelines, 2015. Collection method: clinical testing. Allele origin: germline. Observed: 1 variant allele.
Comment: BP4

Labcorp Genetics (formerly Invitae), Labcorp
Classification: Uncertain significance for Charcot-Marie-Tooth disease type 4. Last evaluated: 2022-03-03. Review status: criteria provided, single submitter. Criteria: Invitae Variant Classification Sherloc (09022015). Collection method: clinical testing. Allele origin: germline.
Comment: This sequence change replaces arginine, which is basic and polar, with cysteine, which is neutral and slightly polar, at codon 361 of the NDRG1 protein (p.Arg361Cys). This variant is present in population databases (rs779065972, gnomAD 0.004%). This variant has not been reported in the literature in individuals affected with NDRG1-related conditions. ClinVar contains an entry for this variant (Variation ID: 246590). Algorithms developed to predict the effect of missense changes on protein structure and function are either unavailable or do not agree on the potential impact of this missense change (SIFT: "Deleterious"; PolyPhen-2: "Probably Damaging"; Align-GVGD: "Class C0"). In summary, the available evidence is currently insufficient to determine the role of this variant in disease. Therefore, it has been classified as a Variant of Uncertain Significance.

Centre for Mendelian Genomics, University Medical Centre Ljubljana
Classification: Uncertain significance for Charcot-Marie-Tooth disease type 4D. Last evaluated: 2018-11-08. Review status: criteria provided, single submitter. Criteria: ACMG Guidelines, 2015. Collection method: clinical testing. Allele origin: unknown. Affected: yes.
Comment: This variant was classified as: Uncertain significance. The available evidence on this variant's pathogenicity is insufficient or conflicting. The following ACMG criteria were applied in classifying this variant: PM2,PP3.

GeneDx
Classification: Uncertain significance. Last evaluated: 2016-05-24. Review status: criteria provided, single submitter. Criteria: GeneDx Variant Classification (06012015). Collection method: clinical testing. Allele origin: germline. Affected: yes.
Comment: The R361C variant has not been published as a pathogenic variant, nor has it been reported as a benign variant to our knowledge. It was not observed in approximately 6,300 individuals of European and African American ancestry in the NHLBI Exome Sequencing Project, indicating it is not a common benign variant in these populations. The R361C variant is a non-conservative amino acid substitution, which is likely to impact secondary protein structure as these residues differ in polarity, charge, size and/or other properties. In silico analysis predicts this variant is probably damaging to the protein structure/function. However, this substitution occurs at a position that is not conserved. Therefore, based on the currently available information, it is unclear whether this variant is a pathogenic variant or a rare benign variant

Natera, Inc.
Classification: Uncertain significance for Charcot-Marie-Tooth disease type 4D. Last evaluated: 2021-01-21. Review status: no assertion criteria provided. Collection method: clinical testing. Allele origin: germline. Not counted in ClinVar's aggregate classification.

NM_006096.4(NDRG1):c.1081C>T (p.Arg361Cys)

Gene: NDRG1 (N-myc downstream regulated 1; minus strand). Cytogenetic location: 8q24.22.
Variant type: single nucleotide variant.
Coding change: c.1081C>T on transcript NM_006096.4 (MANE Select); coding-DNA position 1081, C replaced by T.
Protein change: p.Arg361Cys; replaces arginine 361 with cysteine.
Molecular consequence: missense variant.
Genome position (GRCh38, 1-based): chr8:133,238,982, G>A on the plus strand (C>T on the coding strand, the complement: NDRG1 is on the minus strand). VCF-style: chr8-133238982-G-A. GRCh37 (hg19) VCF-style: chr8-134251225-G-A.
Other names: p.Arg361Cys; c.1081C>T, p.Arg361Cys (NM_001135242.2, NM_001374845.1, NM_001374846.1); c.883C>T, p.Arg295Cys (NM_001258432.2, NM_001374847.1); c.838C>T, p.Arg280Cys (NM_001258433.2); c.1132C>T, p.Arg378Cys (NM_001374844.1); short protein forms R361C, R295C, R280C, R378C.
Identifiers: ClinVar variation 246590 (VCV000246590.16), dbSNP rs779065972, ClinGen allele CA4886430.